The following is an entry in ClinVar:

NM_018062.4(FANCL):c.31C>T (p.Gln11Ter)

Gene: FANCL (FA complementation group L; minus strand). Cytogenetic location: 2p16.1.
Variant type: single nucleotide variant.
Coding change: c.31C>T on transcript NM_018062.4 (MANE Select); coding-DNA position 31, C replaced by T.
Protein change: p.Gln11Ter; replaces glutamine 11 with a stop codon.
Molecular consequence: nonsense.
Genome position (GRCh38, 1-based): chr2:58,241,283, G>A on the plus strand (C>T on the coding strand, the complement: FANCL is on the minus strand). VCF-style: chr2-58241283-G-A. GRCh37 (hg19) VCF-style: chr2-58468418-G-A.
Other names: c.31C>T, p.Gln11Ter (NM_001114636.2, NM_001374615.1, NM_001410792.1); short protein forms Q11*.
Identifiers: ClinVar variation 2909899 (VCV002909899.3), dbSNP rs1234421819, ClinGen allele CA347035174.

ClinVar aggregate classification (germline): Pathogenic (1 of 4 stars; one submission).

Conditions:
Fanconi anemia (FA). Also called: Fanconi's anemia. Identifiers: Orphanet 84, MedGen C0015625, MeSH D005199, MONDO:0019391.

Allele frequency attached by ClinVar (database versions not stated): gnomAD exomes below 0.00001; TOPMed 0.00002.
gnomAD v4.1: 2 of 1,614,270 alleles (0.00012%); highest among the groups gnomAD compares: African/African-American, 0.0013%; no homozygotes.

Submission:

Labcorp Genetics (formerly Invitae), Labcorp
Classification: Pathogenic for Fanconi anemia. Last evaluated: 2023-10-06. Review status: criteria provided, single submitter. Criteria: Invitae Variant Classification Sherloc (09022015). Collection method: clinical testing. Allele origin: germline.
Comment: This sequence change creates a premature translational stop signal (p.Gln11*) in the FANCL gene. It is expected to result in an absent or disrupted protein product. Loss-of-function variants in FANCL are known to be pathogenic (PMID: 19405097, 23613520). This variant is present in population databases (no rsID available, gnomAD 0.007%). This variant has not been reported in the literature in individuals affected with FANCL-related conditions. For these reasons, this variant has been classified as Pathogenic.

Literature cited by the submitters: PubMed 19405097; PubMed 23613520.